The following is an entry in ClinVar:

NM_024675.4(PALB2):c.899C>G (p.Thr300Arg)

Gene: PALB2 (partner and localizer of BRCA2; minus strand). Cytogenetic location: 16p12.2.
Variant type: single nucleotide variant.
Coding change: c.899C>G on transcript NM_024675.4 (MANE Select); coding-DNA position 899, C replaced by G.
Protein change: p.Thr300Arg; replaces threonine 300 with arginine.
Molecular consequence: missense variant.
Genome position (GRCh38, 1-based): chr16:23,635,647, G>C on the plus strand (C>G on the coding strand, the complement: PALB2 is on the minus strand). VCF-style: chr16-23635647-G-C. GRCh37 (hg19) VCF-style: chr16-23646968-G-C.
Other names: short protein forms T300R.
Identifiers: ClinVar variation 484220 (VCV000484220.5), dbSNP rs528541334, ClinGen allele CA395135555.
Genomic context (GRCh38, chr16:23,635,647, plus strand): 5'-TTAGAACTTGTGGGCAGTTGGCCACTTTTACTTATAGCTTTATTTACAAGGAGGTTATCT[G>C]TAGAGACAGTCATTTTTTTGCCTTGTGCCTCCAAACTTACAGGTGAAGTAAATCTAATGT-3'
Protein context (NP_078951.2, residues 290-310): EAQGKKMTVS[Thr300Arg]DNLLVNKAIS

ClinVar aggregate classification (germline): Uncertain significance (1 of 4 stars; one submission).

Conditions:
Hereditary cancer-predisposing syndrome. Also called: Neoplastic Syndromes, Hereditary; Tumor predisposition; Hereditary Cancer Syndrome; Hereditary neoplastic syndrome. Identifiers: Orphanet 140162, MedGen C0027672, MeSH D009386, MONDO:0015356.

Submission:

Ambry Genetics
Classification: Uncertain significance for Hereditary cancer-predisposing syndrome. Last evaluated: 2019-11-27. Review status: criteria provided, single submitter. Criteria: Ambry Variant Classification Scheme 2023. Collection method: clinical testing. Allele origin: germline.
Comment: The p.T300R variant (also known as c.899C>G), located in coding exon 4 of the PALB2 gene, results from a C to G substitution at nucleotide position 899. The threonine at codon 300 is replaced by arginine, an amino acid with similar properties. This amino acid position is not well conserved in available vertebrate species. In addition, this alteration is predicted to be tolerated by in silico analysis. Since supporting evidence is limited at this time, the clinical significance of this alteration remains unclear.